The following is an entry in ClinVar:

NM_001039.4(SCNN1G):c.*159T>G

Gene: SCNN1G (sodium channel epithelial 1 subunit gamma; plus strand). Cytogenetic location: 16p12.2.
Variant type: single nucleotide variant.
Coding change: c.*159T>G on transcript NM_001039.4 (MANE Select); 159 bases downstream of the stop codon, T replaced by G.
Molecular consequence: 3 prime UTR variant.
Genome position (GRCh38, 1-based): chr16:23,215,628, T>G. VCF-style: chr16-23215628-T-G. GRCh37 (hg19) VCF-style: chr16-23226949-T-G.
Identifiers: ClinVar variation 318363 (VCV000318363.8), dbSNP rs3026, ClinGen allele CA10637352.

ClinVar aggregate classification (germline): Benign. Review status: criteria provided, multiple submitters, no conflicts (2 of 4 stars). 4 submissions from 3 submitters: Benign (4). Last evaluated 2019-11-22.

Conditions:
Liddle syndrome 2. Identifiers: MedGen C4748251, MONDO:0020854, OMIM 618114.
Pseudohypoaldosteronism, type IB1, autosomal recessive. Also called: Pseudohypoaldosteronism, Type I, Autosomal Recessive; PHA I, AUTOSOMAL RECESSIVE; Pseudohypoaldosteronism, Type I, Recessive; Autosomal recessive pseudohypoaldosteronism type 1. Identifiers: Orphanet 171876, Orphanet 756, MedGen C5774176, MONDO:0009917, OMIM 264350.

Allele frequency attached by ClinVar (database versions not stated): 1000 Genomes Project 30x 0.15506; 1000 Genomes Project 0.15535; TOPMed 0.20672; gnomAD 0.21170 and 0.21892.
gnomAD v4.1: 149,065 of 785,260 alleles (19%); highest among the groups gnomAD compares: African/African-American, 24%; 15,716 homozygotes.

Submissions (4):

GeneDx
Classification: Benign. Last evaluated: 2019-11-22. Review status: criteria provided, single submitter. Criteria: GeneDx Variant Classification Process June 2021. Collection method: clinical testing. Allele origin: germline. Affected: yes.

Illumina Laboratory Services, Illumina
Classification: Benign for Liddle syndrome 2. Last evaluated: 2017-04-27. Review status: criteria provided, single submitter. Criteria: ICSL Variant Classification Criteria 13 December 2019. Collection method: clinical testing. Allele origin: germline.
Comment: This variant was observed as part of a predisposition screen in an ostensibly healthy population. A literature search was performed for the gene, cDNA change, and amino acid change (where applicable). No publications were found based on this search. Allele frequency data from public databases was too high to be consistent with this variant causing disease. Therefore, this variant is classified as benign.

Illumina Laboratory Services, Illumina
Classification: Benign for Pseudohypoaldosteronism, type IB1, autosomal recessive. Last evaluated: 2017-04-27. Review status: criteria provided, single submitter. Criteria: ICSL Variant Classification Criteria 13 December 2019. Collection method: clinical testing. Allele origin: germline.
Comment: the same text as in the submission from Illumina Laboratory Services, Illumina above.

Breakthrough Genomics
Classification: Benign. Review status: criteria provided, single submitter. Criteria: ACMG Guidelines, 2015. Collection method: not provided. Allele origin: germline. Inheritance: Autosomal dominant inheritance. Affected: yes.